The following is an entry in ClinVar:

NM_003784.4(SERPINB7):c.639_640del (p.Lys213fs)

Gene: SERPINB7 (serpin family B member 7; plus strand). Cytogenetic location: 18q21.33.
Variant type: Deletion.
Coding change: c.639_640del on transcript NM_003784.4 (MANE Select); coding-DNA positions 639 to 640, 2 bases deleted (GT; older notation c.639_640delGT).
Protein change: p.Lys213fs; shifts the reading frame from lysine 213.
Molecular consequence: frameshift variant.
Genome position (GRCh38, 1-based): chr18:63,800,907-63,800,908, GT deleted. VCF-style (leftmost placement, unchanged base first): chr18-63800906-AGT-A. GRCh37 (hg19) VCF-style: chr18-61468140-AGT-A.
Other names: c.639_640del, p.Lys213fs (NM_001040147.3, NM_001261830.2); c.588_589del, p.Lys196fs (NM_001261831.2); short protein forms K196fs, K213fs.
Identifiers: ClinVar variation 4980779 (VCV004980779.1).

ClinVar aggregate classification (germline): Likely pathogenic (1 of 4 stars; one submission).

Conditions:
SERPINB7-related disorder. Also called: SERPINB7-related condition.

Submission:

PreventionGenetics, part of Exact Sciences
Classification: Likely pathogenic for SERPINB7-related condition. Last evaluated: 2026-01-26. Review status: criteria provided, single submitter. Criteria: ACMG Guidelines, 2015. Collection method: clinical testing. Allele origin: germline.
Comment: The SERPINB7 c.639_640delGT variant is predicted to result in a frameshift and premature protein termination (p.Lys213Asnfs*7). To our knowledge, this variant has not been reported in the literature. This variant is reported in 0.0039% of alleles in individuals of European (Non-Finnish) descent in gnomAD. Frameshift variants in SERPINB7 are expected to be pathogenic. This variant is interpreted as likely pathogenic.